The following is an entry in ClinVar:

ClinVar aggregate classification (germline): Pathogenic (1 of 4 stars; one submission).

Conditions:
Odonto-onycho-dermal dysplasia. Identifiers: Orphanet 2721, MedGen C0796093, MONDO:0009773, OMIM 257980.
Tooth agenesis, selective, 4 (STHAG4). Also called: SUCCEDANEOUS TEETH, AGENESIS OF; LATERAL INCISORS, ABSENCE OF; LATERAL INCISORS, PEGGED OR MISSING; TOOTH AGENESIS, SELECTIVE, 4, WITH OR WITHOUT ECTODERMAL DYSPLASIA. Identifiers: Orphanet 99798, MedGen C1835492, MONDO:0007881, OMIM 150400. Disease mechanism: loss of function.

Submission:

Labcorp Genetics (formerly Invitae), Labcorp
Classification: Pathogenic for Tooth agenesis, selective, 4; Odonto-onycho-dermal dysplasia. Last evaluated: 2023-06-04. Review status: criteria provided, single submitter. Criteria: Invitae Variant Classification Sherloc (09022015). Collection method: clinical testing. Allele origin: germline.
Comment: For these reasons, this variant has been classified as Pathogenic. This variant disrupts a region of the WNT10A protein in which other variant(s) (p.Glu390*) have been determined to be pathogenic (PMID: 24902757). This suggests that this is a clinically significant region of the protein, and that variants that disrupt it are likely to be disease-causing. This variant has not been reported in the literature in individuals affected with WNT10A-related conditions. This variant is not present in population databases (gnomAD no frequency). This sequence change results in a frameshift in the WNT10A gene (p.Arg232Profs*196). While this is not anticipated to result in nonsense mediated decay, it is expected to disrupt the last 186 amino acid(s) of the WNT10A protein and extend the protein by 9 additional amino acid residues.

Literature cited by the submitters: PubMed 24902757.

NM_025216.3(WNT10A):c.694dup (p.Arg232fs)

Gene: WNT10A (Wnt family member 10A; plus strand). Cytogenetic location: 2q35.
Variant type: Duplication.
Coding change: c.694dup on transcript NM_025216.3 (MANE Select); coding-DNA position 694, one base duplicated (C; older notation c.694dupC).
Protein change: p.Arg232fs; shifts the reading frame from arginine 232.
Molecular consequence: frameshift variant.
Genome position (GRCh38, 1-based): chr2:218,890,301, C duplicated; the last of 3 consecutive C bases (chr2:218,890,299-218,890,301); duplicating any one gives the same sequence. VCF-style (leftmost placement, unchanged base first): chr2-218890298-T-TC. GRCh37 (hg19) VCF-style: chr2-219755020-T-TC.
Other names: short protein forms R232fs.
Identifiers: ClinVar variation 2948518 (VCV002948518.3), dbSNP rs1575233692, ClinGen allele CA2740096466.
Genomic context (GRCh38, chr2:218,890,298, plus strand): 5'-TGGGGCGGCTGCAGCCCCGACATGGGCTTCGGGGAGCGCTTTTCTAAGGACTTTCTGGAC[T>TC]CCCGGGAGCCTCACAGAGACATCCACGCGAGAATGAGGCTTCACAACAACCGAGTTGGGA-3'